The following is an entry in ClinVar:

ClinVar aggregate classification (germline): Pathogenic (1 of 4 stars; one submission).

Submission:

Labcorp Genetics (formerly Invitae), Labcorp
Classification: Pathogenic. Last evaluated: 2017-09-16. Review status: criteria provided, single submitter. Criteria: Invitae Variant Classification Sherloc (09022015). Collection method: clinical testing. Allele origin: germline.
Comment: This sequence change creates a premature translational stop signal (p.Ser742*) in the ORC1 gene. It is expected to result in an absent or disrupted protein product. This variant is not present in population databases (ExAC no frequency). This variant has not been reported in the literature in individuals with ORC1-related disease. Loss-of-function variants in ORC1 are known to be pathogenic (PMID: 21358633). For these reasons, this variant has been classified as Pathogenic.

Literature cited by the submitters: PubMed 21358633.

NM_004153.4(ORC1):c.2221_2224dup (p.Ser742Ter)

Gene: ORC1 (origin recognition complex subunit 1; minus strand). Cytogenetic location: 1p32.3.
Variant type: Duplication.
Coding change: c.2221_2224dup on transcript NM_004153.4 (MANE Select); coding-DNA positions 2221 to 2224, 4 bases duplicated (GACT; older notation c.2221_2224dupGACT).
Protein change: p.Ser742Ter; replaces serine 742 with a stop codon.
Molecular consequence: nonsense.
Genome position (GRCh38, 1-based): chr1:52,375,509-52,375,512, AGTC duplicated on the plus strand (GACT on the coding strand, the reverse complement: ORC1 is on the minus strand); duplicating any 4 consecutive bases within chr1:52,375,509-52,375,514 gives the same sequence; the c. name uses the placement nearest the transcript's 3' end. VCF-style (leftmost placement, unchanged base first): chr1-52375508-G-GAGTC. GRCh37 (hg19) VCF-style: chr1-52841180-G-GAGTC.
Other names: c.2221_2224dup, p.Ser742Ter (NM_001190818.2); c.2206_2209dup, p.Ser737Ter (NM_001190819.2); short protein forms S737*, S742*.
Identifiers: ClinVar variation 632110 (VCV000632110.10), dbSNP rs1557567563, ClinGen allele CA913189313.